The following is an entry in ClinVar:

ClinVar aggregate classification (germline): Uncertain significance (1 of 4 stars; one submission).

Submission:

Mayo Clinic Laboratories, Mayo Clinic
Classification: Uncertain significance. Last evaluated: 2025-03-05. Review status: criteria provided, single submitter. Criteria: ACMG Guidelines, 2015. Collection method: clinical testing. Allele origin: germline. Observed: 1 variant allele.
Comment: BP4, PM2_supporting

NM_001372123.1(IKZF5):c.1040A>C (p.Gln347Pro)

Gene: IKZF5 (IKAROS family zinc finger 5; minus strand). Cytogenetic location: 10q26.13.
Variant type: single nucleotide variant.
Coding change: c.1040A>C on transcript NM_001372123.1 (MANE Select); coding-DNA position 1040, A replaced by C.
Protein change: p.Gln347Pro; replaces glutamine 347 with proline.
Molecular consequence: missense variant.
Genome position (GRCh38, 1-based): chr10:122,994,000, T>G on the plus strand (A>C on the coding strand, the complement: IKZF5 is on the minus strand). VCF-style: chr10-122994000-T-G. GRCh37 (hg19) VCF-style: chr10-124753516-T-G.
Other names: p.Gln347Pro; c.1040A>C, p.Gln347Pro (NM_001271840.1, NM_001372125.1, NM_001372126.1 and 2 more transcripts); c.836A>C, p.Gln279Pro (NM_001372124.1, NM_001372129.1, NM_001372130.1 and 1 more transcripts); short protein forms Q279P, Q347P.
Identifiers: ClinVar variation 4541598 (VCV004541598.1).